The following is an entry in ClinVar:

NM_004006.3(DMD):c.3229G>T (p.Ala1077Ser)

Gene: DMD (dystrophin; minus strand). Cytogenetic location: Xp21.1.
Variant type: single nucleotide variant.
Coding change: c.3229G>T on transcript NM_004006.3 (MANE Select); coding-DNA position 3229, G replaced by T.
Protein change: p.Ala1077Ser; replaces alanine 1077 with serine.
Molecular consequence: missense variant.
Genome position (GRCh38, 1-based): chrX:32,464,633, C>A on the plus strand (G>T on the coding strand, the complement: DMD is on the minus strand). VCF-style: chrX-32464633-C-A. GRCh37 (hg19) VCF-style: chrX-32482750-C-A.
Other names: c.3205G>T, p.Ala1069Ser (NM_000109.4); c.3217G>T, p.Ala1073Ser (NM_004009.3); c.2860G>T, p.Ala954Ser (NM_004010.3); short protein forms A1069S, A1073S, A1077S, A954S.
Identifiers: ClinVar variation 2673223 (VCV002673223.23), dbSNP rs2524537263, ClinGen allele CA412664872.
Genomic context (GRCh38, chrX:32,464,633, plus strand): 5'-ATAAAAATCTTACTCTGCACTGTTTCAGCTGCTTTTTTAGAATTTCTGAATCCCCAAGGG[C>A]AGGCCATTCCTCCTTCAGAAAAACATCAACTTCAGCCATCCATTTCTTCAGGGTTTGTAT-3'
Protein context (NP_003997.2, residues 1067-1087): VDVFLKEEWP[Ala1077Ser]LGDSEILKKQ

ClinVar aggregate classification (germline): Uncertain significance (1 of 4 stars; one submission).

Allele frequency attached by ClinVar (database versions not stated): gnomAD exomes below 0.00001.
gnomAD v4.1: 2 of 1,210,837 alleles (0.00017%); highest among the groups gnomAD compares: Non-Finnish European, 0.00022%; no homozygotes.

Submission:

CeGaT Center for Human Genetics Tuebingen
Classification: Uncertain significance. Last evaluated: 2023-11-01. Review status: criteria provided, single submitter. Criteria: CeGaT Center For Human Genetics Tuebingen Variant Classification Criteria Version 2. Collection method: clinical testing. Allele origin: germline. Affected: yes. Observed: 1 variant allele.
Comment: DMD: PM2, BP1